The following is an entry in ClinVar:

ClinVar aggregate classification (germline): Pathogenic (1 of 4 stars; one submission).

Submission:

Labcorp Genetics (formerly Invitae), Labcorp
Classification: Pathogenic. Last evaluated: 2024-10-12. Review status: criteria provided, single submitter. Criteria: Invitae Variant Classification Sherloc (09022015). Collection method: clinical testing. Allele origin: germline.
Comment: This sequence change creates a premature translational stop signal (p.Trp456*) in the PHEX gene. It is expected to result in an absent or disrupted protein product. Loss-of-function variants in PHEX are known to be pathogenic (PMID: 9097956, 9106524, 19219621). This variant is not present in population databases (gnomAD no frequency). This premature translational stop signal has been observed in individual(s) with X-linked hypophosphatemia (PMID: 32253725). For these reasons, this variant has been classified as Pathogenic.

Literature cited by the submitters: PubMed 9097956; PubMed 9106524; PubMed 19219621; PubMed 32253725.

NM_000444.6(PHEX):c.1368_1383del (p.Glu455_Trp456insTer)

Gene: PHEX (phosphate regulating endopeptidase X-linked; plus strand). Cytogenetic location: Xp22.11.
Variant type: Deletion.
Coding change: c.1368_1383del on transcript NM_000444.6 (MANE Select); coding-DNA positions 1368 to 1383, 16 bases deleted (GATGGATGCAGGAACG).
Protein change: p.Glu455_Trp456insTer.
Molecular consequence: nonsense.
Genome position (GRCh38, 1-based): chrX:22,133,588-22,133,603, GATGGATGCAGGAACG deleted; deleting any 16 consecutive bases within chrX:22,133,587-22,133,603 gives the same sequence; the c. name uses the placement nearest the transcript's 3' end. VCF-style (leftmost placement, unchanged base first): chrX-22133586-TGGATGGATGCAGGAAC-T. GRCh37 (hg19) VCF-style: chrX-22151703-TGGATGGATGCAGGAAC-T.
Other names: c.1368_1383del, p.Glu455_Trp456insTer (NM_001282754.2).
Identifiers: ClinVar variation 3653922 (VCV003653922.2).